The following is an entry in ClinVar:

ClinVar aggregate classification (germline): Likely benign. Review status: criteria provided, single submitter (1 of 4 stars). 2 submissions from 2 submitters: Likely benign (1). 1 of the submissions does not count toward it. Last evaluated 2026-01-23.

Conditions:
MYO5B-related disorder. Also called: MYO5B-related condition.

Allele frequency attached by ClinVar (database versions not stated): gnomAD exomes 0.00002 and 0.00005; ExAC 0.00008; gnomAD 0.00019 and 0.00021; TOPMed 0.00025; ESP Exome Variant Server 0.00041.
gnomAD v4.1: 55 of 1,614,032 alleles (0.0034%); highest among the groups gnomAD compares: African/African-American, 0.072%; no homozygotes.

Submissions (2):

Labcorp Genetics (formerly Invitae), Labcorp
Classification: Likely benign. Last evaluated: 2026-01-23. Review status: criteria provided, single submitter. Criteria: Invitae Variant Classification Sherloc (09022015). Collection method: clinical testing. Allele origin: germline.

PreventionGenetics, part of Exact Sciences
Classification: Likely benign for MYO5B-related condition. Last evaluated: 2024-05-14. Review status: no assertion criteria provided. Collection method: clinical testing. Allele origin: germline. Not counted in ClinVar's aggregate classification.
Comment: This variant is classified as likely benign based on ACMG/AMP sequence variant interpretation guidelines (Richards et al. 2015 PMID: 25741868, with internal and published modifications).

NM_001080467.3(MYO5B):c.5292T>C (p.Cys1764=)

Genes: MYO5B (myosin VB; minus strand), SNHG22 (small nucleolar RNA host gene 22; plus strand). Cytogenetic location: 18q21.1.
Variant type: single nucleotide variant.
Coding change: c.5292T>C on transcript NM_001080467.3 (MANE Select); coding-DNA position 5292, T replaced by C.
Protein change: p.Cys1764=; no amino-acid change (cysteine 1764 retained).
Molecular consequence: synonymous variant.
Genome position (GRCh38, 1-based): chr18:49,836,732, A>G on the plus strand (T>C on the coding strand, the complement: MYO5B is on the minus strand). VCF-style: chr18-49836732-A-G. GRCh37 (hg19) VCF-style: chr18-47363102-A-G.
Other names: c.5292T>C (NM_001080467.2).
Identifiers: ClinVar variation 1551512 (VCV001551512.9), dbSNP rs369410784, ClinGen allele CA8960102.
Genomic context (GRCh38, chr18:49,836,732, plus strand): 5'-TTGGAATACCATGTTGACAGAGGTGCAAAGTGACTGTACCTGCTGGGTGCTGAGGGAGGT[A>G]CACAGGGAGCAGATAGCCTCTGCGTCCTCCTGGGTTTTCTTCTTTAATTGCAGGAGCTGG-3'
Protein context (NP_001073936.1, residues 1754-1774): QEDAEAICSL[Cys1764=]TSLSTQQIVK